The following is an entry in ClinVar:

ClinVar aggregate classification (germline): Likely pathogenic (1 of 4 stars; one submission).

Conditions:
Charcot-Marie-Tooth disease type 2. Also called: Charcot-Marie-Tooth type 2. Identifiers: Orphanet 64746, MedGen C0270914, MONDO:0018993.

Submission:

Labcorp Genetics (formerly Invitae), Labcorp
Classification: Likely pathogenic for Charcot-Marie-Tooth disease type 2. Last evaluated: 2021-01-25. Review status: criteria provided, single submitter. Criteria: Invitae Variant Classification Sherloc (09022015). Collection method: clinical testing. Allele origin: germline.
Comment: In summary, the currently available evidence indicates that the variant is pathogenic, but additional data are needed to prove that conclusively. Therefore, this variant has been classified as Likely Pathogenic. This variant disrupts the p.Ile88 amino acid residue in MFN2. Other variant(s) that disrupt this residue have been determined to be pathogenic (PMID: 26392352, Invitae). This suggests that this residue is clinically significant, and that variants that disrupt this residue are likely to be disease-causing. Advanced modeling of protein sequence and biophysical properties (such as structural, functional, and spatial information, amino acid conservation, physicochemical variation, residue mobility, and thermodynamic stability) performed at Invitae indicates that this missense variant is expected to disrupt MFN2 protein function. This variant has not been reported in the literature in individuals with MFN2-related conditions. This variant is not present in population databases (ExAC no frequency). This sequence change replaces isoleucine with leucine at codon 88 of the MFN2 protein (p.Ile88Leu). The isoleucine residue is highly conserved and there is a small physicochemical difference between isoleucine and leucine.

Literature cited by the submitters: PubMed 26392352.

NM_014874.4(MFN2):c.262A>C (p.Ile88Leu)

Gene: MFN2 (mitofusin 2; plus strand). Cytogenetic location: 1p36.22.
Variant type: single nucleotide variant.
Coding change: c.262A>C on transcript NM_014874.4 (MANE Select); coding-DNA position 262, A replaced by C.
Protein change: p.Ile88Leu; replaces isoleucine 88 with leucine.
Molecular consequence: missense variant.
Genome position (GRCh38, 1-based): chr1:11,992,641, A>C. VCF-style: chr1-11992641-A-C. GRCh37 (hg19) VCF-style: chr1-12052698-A-C.
Other names: c.262A>C, p.Ile88Leu (NM_001127660.2); short protein forms I88L.
Identifiers: ClinVar variation 1470858 (VCV001470858.8), dbSNP rs1569816194, ClinGen allele CA338462066.